The following is an entry in ClinVar:

ClinVar aggregate classification (germline): Pathogenic (1 of 4 stars; one submission).

Conditions:
Cardiovascular phenotype. Identifiers: MedGen CN230736.
Hereditary cancer-predisposing syndrome. Also called: Neoplastic Syndromes, Hereditary; Tumor predisposition; Hereditary Cancer Syndrome; Hereditary neoplastic syndrome. Identifiers: Orphanet 140162, MedGen C0027672, MeSH D009386, MONDO:0015356.

Submission:

Ambry Genetics
Classification: Pathogenic for Cardiovascular phenotype; Hereditary cancer-predisposing syndrome. Last evaluated: 2025-12-03. Review status: criteria provided, single submitter. Criteria: Ambry Variant Classification Scheme 2023. Collection method: clinical testing. Allele origin: germline.
Comment: The c.4287_4288delCA pathogenic mutation, located in coding exon 32 of the NF1 gene, results from a deletion of two nucleotides at nucleotide positions 4287 to 4288, causing a translational frameshift with a predicted alternate stop codon (p.N1430Sfs*15). This variant was reported in individual(s) with features consistent with neurofibromatosis type 1 (Ambry internal data). This variant is considered to be rare based on population cohorts in the Genome Aggregation Database (gnomAD). This alteration is expected to result in loss of function by premature protein truncation or nonsense-mediated mRNA decay. As such, this alteration is interpreted as a disease-causing mutation.

NM_001042492.3(NF1):c.4350_4351del (p.Asn1451fs)

Gene: NF1 (neurofibromin 1; plus strand). Cytogenetic location: 17q11.2.
Variant type: Deletion.
Coding change: c.4350_4351del on transcript NM_001042492.3 (MANE Select); coding-DNA positions 4350 to 4351, 2 bases deleted (CA; older notation c.4350_4351delCA).
Protein change: p.Asn1451fs; shifts the reading frame from asparagine 1451.
Molecular consequence: frameshift variant.
Genome position (GRCh38, 1-based): chr17:31,259,049-31,259,050, CA deleted. VCF-style (leftmost placement, unchanged base first): chr17-31259048-CCA-C. GRCh37 (hg19) VCF-style: chr17-29586066-CCA-C.
Other names: c.4287_4288del, p.Asn1430fs (NM_000267.4); short protein forms N1451fs, N1430fs.
Identifiers: ClinVar variation 4615822 (VCV004615822.1).